The following is an entry in ClinVar:

NM_205850.3(SLC24A5):c.1402G>T (p.Gly468Ter)

Genes: MYEF2 (myelin expression factor 2; minus strand), SLC24A5 (solute carrier family 24 member 5; plus strand). Cytogenetic location: 15q21.1.
Variant type: single nucleotide variant.
Coding change: c.1402G>T on transcript NM_205850.3 (MANE Select); coding-DNA position 1402, G replaced by T.
Protein change: p.Gly468Ter; replaces glycine 468 with a stop codon.
Molecular consequence: nonsense. On other transcripts: 3 prime UTR variant (2).
Genome position (GRCh38, 1-based): chr15:48,142,250, G>T. VCF-style: chr15-48142250-G-T. GRCh37 (hg19) VCF-style: chr15-48434447-G-T.
Other names: c.*658C>A (NM_001301210.2, NM_016132.5); c.1402G>T (NM_205850.2); short protein forms G468*.
Identifiers: ClinVar variation 1987888 (VCV001987888.5), dbSNP rs201838593, ClinGen allele CA7546122.
Genomic context (GRCh38, chr15:48,142,250, plus strand): 5'-TCAATTATTTTTCTTTTTTTAGCAGTTCACTTCAATGGCTGGAAACTAGACAGAAAGTTG[G>T]GAATAGTCTGCCTATTATCATACTTGGGGCTTGCTACATTATCAGTTCTATATGAACTTG-3'

ClinVar aggregate classification (germline): Uncertain significance. Review status: criteria provided, single submitter (1 of 4 stars). 2 submissions from 2 submitters: Uncertain significance (1). 1 of the submissions does not count toward it. Last evaluated 2024-10-24.

Conditions:
SLC24A5-related disorder. Also called: SLC24A5-related condition.

Allele frequency attached by ClinVar (database versions not stated): gnomAD 0.00002; gnomAD exomes 0.00002; TOPMed 0.00002; ExAC 0.00004.
gnomAD v4.1: 30 of 1,613,382 alleles (0.0019%); highest among the groups gnomAD compares: Non-Finnish European, 0.0025%; no homozygotes.

Submissions (2):

Labcorp Genetics (formerly Invitae), Labcorp
Classification: Uncertain significance. Last evaluated: 2024-10-24. Review status: criteria provided, single submitter. Criteria: Invitae Variant Classification Sherloc (09022015). Collection method: clinical testing. Allele origin: germline.
Comment: This sequence change creates a premature translational stop signal (p.Gly468*) in the SLC24A5 gene. While this is not anticipated to result in nonsense mediated decay, it is expected to disrupt the last 33 amino acid(s) of the SLC24A5 protein. This variant is present in population databases (rs201838593, gnomAD 0.006%). This variant has not been reported in the literature in individuals affected with SLC24A5-related conditions. ClinVar contains an entry for this variant (Variation ID: 1987888). Experimental studies and prediction algorithms are not available or were not evaluated, and the functional significance of this variant is currently unknown. In summary, the available evidence is currently insufficient to determine the role of this variant in disease. Therefore, it has been classified as a Variant of Uncertain Significance.

PreventionGenetics, part of Exact Sciences
Classification: Likely pathogenic for SLC24A5-related condition. Last evaluated: 2024-08-21. Review status: no assertion criteria provided. Collection method: clinical testing. Allele origin: germline. Not counted in ClinVar's aggregate classification.
Comment: The SLC24A5 c.1402G>T variant is predicted to result in premature protein termination (p.Gly468*). To our knowledge, this variant has not been reported in the literature. This variant is reported in 0.0071% of alleles in individuals of European (Non-Finnish) descent in gnomAD. While this variant causes a premature termination of the protein, it is located in the terminal exon and therefore it is not expected to cause nonsense mediated decay of the transcript. Given all the evidence, we interpret this variant as likely pathogenic.